The following is an entry in ClinVar:

NM_031313.3(ALPG):c.537C>T (p.Tyr179=)

Genes: ALPG (alkaline phosphatase, germ cell; plus strand), LOC126806552 (BRD4-independent group 4 enhancer GRCh37_chr2:233271618-233272817; plus strand). Cytogenetic location: 2q37.1.
Variant type: single nucleotide variant.
Coding change: c.537C>T on transcript NM_031313.3 (MANE Select); coding-DNA position 537, C replaced by T.
Protein change: p.Tyr179=; no amino-acid change (tyrosine 179 retained).
Molecular consequence: synonymous variant.
Genome position (GRCh38, 1-based): chr2:232,407,906, C>T. VCF-style: chr2-232407906-C-T. GRCh37 (hg19) VCF-style: chr2-233272616-C-T.
Identifiers: ClinVar variation 2652006 (VCV002652006.24), dbSNP rs146780985, ClinGen allele CA2165828.

ClinVar aggregate classification (germline): Benign (1 of 4 stars; one submission).

Allele frequency attached by ClinVar (database versions not stated): ESP Exome Variant Server 0.00754; gnomAD 0.00795; 1000 Genomes Project 0.00579; ExAC 0.00606; 1000 Genomes Project 30x 0.00609; TOPMed 0.00635.
gnomAD v4.1: 14,139 of 1,613,484 alleles (0.88%); highest among the groups gnomAD compares: Non-Finnish European, 0.99%; 123 homozygotes.

Submission:

CeGaT Center for Human Genetics Tuebingen
Classification: Benign. Last evaluated: 2022-08-01. Review status: criteria provided, single submitter. Criteria: CeGaT Center For Human Genetics Tuebingen Variant Classification Criteria Version 2. Collection method: clinical testing. Allele origin: germline. Affected: yes. Observed: 1 variant allele.
Comment: ALPG: BP4, BP7, BS1, BS2